The following is an entry in ClinVar:

NM_004813.4(PEX16):c.418C>A (p.Pro140Thr)

Gene: PEX16 (peroxisomal biogenesis factor 16; minus strand). Cytogenetic location: 11p11.2.
Variant type: single nucleotide variant.
Coding change: c.418C>A on transcript NM_004813.4 (MANE Select); coding-DNA position 418, C replaced by A.
Protein change: p.Pro140Thr; replaces proline 140 with threonine.
Molecular consequence: missense variant.
Genome position (GRCh38, 1-based): chr11:45,915,510, G>T on the plus strand (C>A on the coding strand, the complement: PEX16 is on the minus strand). VCF-style: chr11-45915510-G-T. GRCh37 (hg19) VCF-style: chr11-45937061-G-T.
Other names: c.418C>A, p.Pro140Thr (NM_057174.3); short protein forms P140T.
Identifiers: ClinVar variation 969660 (VCV000969660.7), dbSNP rs749891033, ClinGen allele CA380228281.

ClinVar aggregate classification (germline): Uncertain significance (1 of 4 stars; one submission).

Conditions:
Peroxisome biogenesis disorder. Identifiers: Orphanet 79189, MedGen C1832200, MONDO:0019234. Disease mechanism: loss of function.

Submission:

Labcorp Genetics (formerly Invitae), Labcorp
Classification: Uncertain significance for Peroxisome biogenesis disorder. Last evaluated: 2022-07-17. Review status: criteria provided, single submitter. Criteria: Invitae Variant Classification Sherloc (09022015). Collection method: clinical testing. Allele origin: germline.
Comment: This sequence change replaces proline, which is neutral and non-polar, with threonine, which is neutral and polar, at codon 140 of the PEX16 protein (p.Pro140Thr). This variant is not present in population databases (gnomAD no frequency). This variant has not been reported in the literature in individuals affected with PEX16-related conditions. ClinVar contains an entry for this variant (Variation ID: 969660). Algorithms developed to predict the effect of missense changes on protein structure and function are either unavailable or do not agree on the potential impact of this missense change (SIFT: "Tolerated"; PolyPhen-2: "Probably Damaging"; Align-GVGD: "Class C0"). In summary, the available evidence is currently insufficient to determine the role of this variant in disease. Therefore, it has been classified as a Variant of Uncertain Significance.